The following is an entry in ClinVar:

ClinVar aggregate classification (germline): Uncertain significance (1 of 4 stars; one submission).

gnomAD v4.1: 1 of 1,533,482 alleles (0.000065%); highest among the groups gnomAD compares: South Asian, 0.0012%; no homozygotes.

Submission:

Labcorp Genetics (formerly Invitae), Labcorp
Classification: Uncertain significance. Last evaluated: 2024-03-17. Review status: criteria provided, single submitter. Criteria: Invitae Variant Classification Sherloc (09022015). Collection method: clinical testing. Allele origin: germline.
Comment: This sequence change replaces methionine, which is neutral and non-polar, with valine, which is neutral and non-polar, at codon 554 of the TNK2 protein (p.Met554Val). This variant is not present in population databases (gnomAD no frequency). This variant has not been reported in the literature in individuals affected with TNK2-related conditions. An algorithm developed to predict the effect of missense changes on protein structure and function (PolyPhen-2) suggests that this variant is likely to be disruptive. In summary, the available evidence is currently insufficient to determine the role of this variant in disease. Therefore, it has been classified as a Variant of Uncertain Significance.

NM_001382273.1(TNK2):c.1471A>G (p.Met491Val)

Gene: TNK2 (tyrosine kinase non receptor 2; minus strand). Cytogenetic location: 3q29.
Variant type: single nucleotide variant.
Coding change: c.1471A>G on transcript NM_001382273.1 (MANE Select); coding-DNA position 1471, A replaced by G.
Protein change: p.Met491Val; replaces methionine 491 with valine.
Molecular consequence: missense variant. On other transcripts: non-coding transcript variant (15).
Genome position (GRCh38, 1-based): chr3:195,870,186, T>C on the plus strand (A>G on the coding strand, the complement: TNK2 is on the minus strand). VCF-style: chr3-195870186-T-C. GRCh37 (hg19) VCF-style: chr3-195597057-T-C.
Other names: c.1471A>G, p.Met491Val (NM_001387720.1, NM_001387721.1, NM_005781.5 and 12 more transcripts); c.1543A>G, p.Met515Val (NM_001010938.2, NM_001382272.1, NM_001387708.1 and 1 more transcripts); c.1567A>G, p.Met523Val (NM_001308046.2, NM_001382271.1, NM_001382275.1 and 1 more transcripts); short protein forms M515V, M491V, M523V.
Identifiers: ClinVar variation 3691670 (VCV003691670.2).